The following is an entry in ClinVar:

ClinVar aggregate classification (germline): Likely benign. Review status: criteria provided, multiple submitters, no conflicts (2 of 4 stars). 2 submissions from 2 submitters: Likely benign (2). Last evaluated 2025-01-01.

Allele frequency attached by ClinVar (database versions not stated): ExAC 0.00001; ESP Exome Variant Server 0.00008.

Submissions (2):

CeGaT Center for Human Genetics Tuebingen
Classification: Likely benign. Last evaluated: 2025-01-01. Review status: criteria provided, single submitter. Criteria: CeGaT Center For Human Genetics Tuebingen Variant Classification Criteria Version 2. Collection method: clinical testing. Allele origin: germline. Affected: yes. Observed: 1 variant allele.
Comment: CAD: PM2:Supporting, BP4, BP7

Labcorp Genetics (formerly Invitae), Labcorp
Classification: Likely benign. Last evaluated: 2024-02-23. Review status: criteria provided, single submitter. Criteria: Invitae Variant Classification Sherloc (09022015). Collection method: clinical testing. Allele origin: germline.

NM_004341.5(CAD):c.3270C>G (p.Ser1090=)

Gene: CAD (carbamoyl-phosphate synthetase 2, aspartate transcarbamylase, and dihydroorotase; plus strand). Cytogenetic location: 2p23.3.
Variant type: single nucleotide variant.
Coding change: c.3270C>G on transcript NM_004341.5 (MANE Select); coding-DNA position 3270, C replaced by G.
Protein change: p.Ser1090=; no amino-acid change (serine 1090 retained).
Molecular consequence: synonymous variant.
Genome position (GRCh38, 1-based): chr2:27,233,679, C>G. VCF-style: chr2-27233679-C-G. GRCh37 (hg19) VCF-style: chr2-27456547-C-G.
Other names: c.3081C>G, p.Ser1027= (NM_001306079.2).
Identifiers: ClinVar variation 2694676 (VCV002694676.16), dbSNP rs148549402, ClinGen allele CA1573242.
Genomic context (GRCh38, chr2:27,233,679, plus strand): 5'-CCTGTAGTCTGCTCGCCAATTCTGCCAGACCGTGGGGTACCCCTGTGTGGTGCGCCCCTC[C>G]TATGTGCTGAGCGGTGCTGCTATGAATGTGGCCTACACGGATGGAGACCTGGAGCGCTTC-3'
Protein context (NP_004332.2, residues 1080-1100): TVGYPCVVRP[Ser1090=]YVLSGAAMNV